The following is an entry in ClinVar:

NM_016222.4(DDX41):c.571+3A>G

Gene: DDX41 (DEAD-box helicase 41; minus strand). Cytogenetic location: 5q35.3.
Variant type: single nucleotide variant.
Coding change: c.571+3A>G on transcript NM_016222.4 (MANE Select); 3 bases into the intron after coding-DNA position 571, A replaced by G.
Molecular consequence: intron variant.
Genome position (GRCh38, 1-based): chr5:177,515,682, T>C on the plus strand (A>G on the coding strand, the complement: DDX41 is on the minus strand). VCF-style: chr5-177515682-T-C. GRCh37 (hg19) VCF-style: chr5-176942683-T-C.
Other names: c.571+3A>G (NM_016222.2); c.193+3A>G (NM_001321830.2, NM_001321732.2).
Identifiers: ClinVar variation 2573877 (VCV002573877.6), dbSNP rs776159825, ClinGen allele CA3585162.
Genomic context (GRCh38, chr5:177,515,682, plus strand): 5'-AGGACATAACCTCACAGGCATTTGATTATAAAAGTGTGGTATCTCTCTCCAGCCCCTGAC[T>C]ACCTGCAGGAAACTTCATTTCCTTGAAGCTCTTGATGGGTGGTGGGATACCGTCTCCCTC-3'

ClinVar aggregate classification (germline): Uncertain significance. Review status: criteria provided, multiple submitters, no conflicts (2 of 4 stars). 4 submissions from 4 submitters: Uncertain significance (4). Last evaluated 2025-11-11.

Conditions:
DDX41-related hematologic malignancy predisposition syndrome. Also called: Myeloproliferative/lymphoproliferative neoplasms, familial (multiple types), susceptibility to; DDX41-Associated Familial Myelodysplastic Syndrome and Acute Myeloid Leukemia. Identifiers: Orphanet 488647, MedGen C4225174, MONDO:0014809, OMIM 616871.
Inborn genetic diseases. Identifiers: MedGen C0950123, MeSH D030342.

Allele frequency attached by ClinVar (database versions not stated): gnomAD exomes below 0.00001; ExAC 0.00001; gnomAD 0.00003; TOPMed 0.00008.
gnomAD v4.1: 12 of 1,613,858 alleles (0.00074%); highest among the groups gnomAD compares: Admixed American, 0.01%; no homozygotes.

Submissions (4):

Labcorp Genetics (formerly Invitae), Labcorp
Classification: Uncertain significance. Last evaluated: 2025-11-11. Review status: criteria provided, single submitter. Criteria: Invitae Variant Classification Sherloc (09022015). Collection method: clinical testing. Allele origin: germline.
Comment: This sequence change falls in intron 6 of the DDX41 gene. It does not directly change the encoded amino acid sequence of the DDX41 protein. It affects a nucleotide within the consensus splice site. This variant is present in population databases (rs776159825, gnomAD 0.003%). This variant has not been reported in the literature in individuals affected with DDX41-related conditions. ClinVar contains an entry for this variant (Variation ID: 2573877). Variants that disrupt the consensus splice site are a relatively common cause of aberrant splicing (PMID: 17576681, 9536098). Algorithms developed to predict the effect of sequence changes on RNA splicing suggest that this variant may disrupt the consensus splice site. In summary, the available evidence is currently insufficient to determine the role of this variant in disease. Therefore, it has been classified as a Variant of Uncertain Significance.

Ambry Genetics
Classification: Uncertain significance for Inborn genetic diseases. Last evaluated: 2025-01-22. Review status: criteria provided, single submitter. Criteria: Ambry Variant Classification Scheme 2023. Collection method: clinical testing. Allele origin: germline.
Comment: The c.571+3A>G intronic variant results from an A to G substitution 3 nucleotides after coding exon 6 in the DDX41 gene. This nucleotide position is well conserved in available vertebrate species. In silico splice site analysis predicts that this alteration may result in the creation or strengthening of a novel splice donor site; however, direct evidence is insufficient at this time (Ambry internal data). Based on the available evidence, the clinical significance of this variant remains unclear.

Baylor Genetics
Classification: Uncertain significance for DDX41-related hematologic malignancy predisposition syndrome. Last evaluated: 2023-10-12. Review status: criteria provided, single submitter. Criteria: ACMG Guidelines, 2015. Collection method: clinical testing. Allele origin: unknown.

GeneDx
Classification: Uncertain significance. Last evaluated: 2023-01-24. Review status: criteria provided, single submitter. Criteria: GeneDx Variant Classification Process June 2021. Collection method: clinical testing. Allele origin: germline. Affected: yes.
Comment: Not observed at significant frequency in large population cohorts (gnomAD); Has not been previously published as pathogenic or benign to our knowledge; In silico analysis suggests this variant may impact gene splicing. In the absence of RNA/functional studies, the actual effect of this sequence change is unknown.

Literature cited by the submitters: PubMed 17576681 (cited by Labcorp Genetics (formerly Invitae), Labcorp); PubMed 9536098 (cited by Labcorp Genetics (formerly Invitae), Labcorp).